The following is an entry in ClinVar:

NM_001025616.3(ARHGAP24):c.1447C>T (p.Arg483Cys)

Gene: ARHGAP24 (Rho GTPase activating protein 24; plus strand). Cytogenetic location: 4q21.23.
Variant type: single nucleotide variant.
Coding change: c.1447C>T on transcript NM_001025616.3 (MANE Select); coding-DNA position 1447, C replaced by T.
Protein change: p.Arg483Cys; replaces arginine 483 with cysteine.
Molecular consequence: missense variant.
Genome position (GRCh38, 1-based): chr4:85,995,101, C>T. VCF-style: chr4-85995101-C-T. GRCh37 (hg19) VCF-style: chr4-86916254-C-T.
Other names: c.1162C>T, p.Arg388Cys (NM_001042669.2); c.1192C>T, p.Arg398Cys (NM_001287805.2); c.868C>T, p.Arg290Cys (NM_001346093.2); c.1168C>T, p.Arg390Cys (NM_031305.3); short protein forms R388C, R398C, R290C, R390C, R483C.
Identifiers: ClinVar variation 2472047 (VCV002472047.5), dbSNP rs777874622, ClinGen allele CA2994749.

ClinVar aggregate classification (germline): Uncertain significance. Review status: criteria provided, multiple submitters, no conflicts (2 of 4 stars). 2 submissions from 2 submitters: Uncertain significance (2). Last evaluated 2023-04-11.

Allele frequency attached by ClinVar (database versions not stated): ExAC 0.00004; gnomAD exomes 0.00006; 1000 Genomes Project 30x 0.00016.
gnomAD v4.1: 99 of 1,613,900 alleles (0.0061%); highest among the groups gnomAD compares: African/African-American, 0.008%; no homozygotes.

Submissions (2):

Labcorp Genetics (formerly Invitae), Labcorp
Classification: Uncertain significance. Last evaluated: 2023-04-11. Review status: criteria provided, single submitter. Criteria: Invitae Variant Classification Sherloc (09022015). Collection method: clinical testing. Allele origin: germline.
Comment: This sequence change replaces arginine, which is basic and polar, with cysteine, which is neutral and slightly polar, at codon 483 of the ARHGAP24 protein (p.Arg483Cys). This variant is present in population databases (rs777874622, gnomAD 0.006%). This variant has not been reported in the literature in individuals affected with ARHGAP24-related conditions. An algorithm developed to predict the effect of missense changes on protein structure and function (PolyPhen-2) suggests that this variant is likely to be disruptive. In summary, the available evidence is currently insufficient to determine the role of this variant in disease. Therefore, it has been classified as a Variant of Uncertain Significance.

Ambry Genetics
Classification: Uncertain significance. Last evaluated: 2023-02-28. Review status: criteria provided, single submitter. Criteria: Ambry Variant Classification Scheme 2023. Collection method: clinical testing. Allele origin: germline.